The following is an entry in ClinVar:

ClinVar aggregate classification (germline): Conflicting classifications of pathogenicity. Review status: criteria provided, conflicting classifications (1 of 4 stars). 27 submissions from 23 submitters: Uncertain significance (1); Benign (11); Likely benign (9). 6 of the submissions do not count toward it. Last evaluated 2026-08-01.

Conditions:
Dilated cardiomyopathy 1G (CMD1G). Identifiers: Orphanet 154, MedGen C1858763, MONDO:0011400, OMIM 604145.
Autosomal recessive limb-girdle muscular dystrophy type 2J (LGMDR10). Also called: MUSCULAR DYSTROPHY, LIMB-GIRDLE, AUTOSOMAL RECESSIVE 10; Limb-girdle muscular dystrophy, type 2J. Identifiers: Orphanet 140922, MedGen C1837342, MONDO:0012127, OMIM 608807.
TTN-related myopathy. Identifiers: MedGen CN294812, MONDO:0100175.
Cardiovascular phenotype. Identifiers: MedGen CN230736.
Cardiomyopathy (CMYO). Also called: Cardiomyopathies. Identifiers: Orphanet 167848, MedGen C0878544, MONDO:0004994, HP:0001638. Inheritance: Various modes of inheritance.
Early-onset myopathy with fatal cardiomyopathy (CMYO5). Also called: CONGENITAL MYOPATHY 5 WITH CARDIOMYOPATHY; Salih Myopathy. Identifiers: Orphanet 289377, MedGen C2673677, MONDO:0012714, OMIM 611705. Disease mechanism: loss of function.
Myopathy, myofibrillar, 9, with early respiratory failure (MFM9). Also called: Myopathy, distal, with early respiratory failure, autosomal dominant; Hereditary myopathy with early respiratory failure; MYOPATHY, PROXIMAL, WITH EARLY RESPIRATORY MUSCLE INVOLVEMENT; EDSTROM MYOPATHY. Identifiers: Orphanet 178464, Orphanet 34521, MedGen C1863599, MONDO:0011362, OMIM 603689.
Tibial muscular dystrophy (TMD). Also called: Udd Distal Myopathy – Tibial Muscular Dystrophy; Tibial muscular dystrophy, tardive; UDD MYOPATHY. Identifiers: Orphanet 609, MedGen C1838244, MONDO:0010870, OMIM 600334.
Tip-toe gait. Also called: Toe walking. Identifiers: MedGen C0427144, HP:0030051.
Supraventricular tachycardia. Identifiers: MedGen C0039240, HP:0004755.

Allele frequency attached by ClinVar (database versions not stated): 1000 Genomes Project 30x 0.00359; TOPMed 0.00209; ESP Exome Variant Server 0.00275; 1000 Genomes Project 0.00339.
gnomAD v4.1: 5,128 of 1,613,234 alleles (0.32%); highest among the groups gnomAD compares: Middle Eastern, 0.94%; 20 homozygotes.

Submissions 1 to 15 of 27:

CeGaT Center for Human Genetics Tuebingen
Classification: Likely benign. Last evaluated: 2026-08-01. Review status: criteria provided, single submitter. Criteria: CeGaT Center For Human Genetics Tuebingen Variant Classification Criteria Version 2. Collection method: clinical testing. Allele origin: germline. Affected: yes. Observed: 83 variant alleles.
Comment: TTN: BP4, BS2

Labcorp Genetics (formerly Invitae), Labcorp
Classification: Benign for Dilated cardiomyopathy 1G; Autosomal recessive limb-girdle muscular dystrophy type 2J. Last evaluated: 2026-02-04. Review status: criteria provided, single submitter. Criteria: Invitae Variant Classification Sherloc (09022015). Collection method: clinical testing. Allele origin: germline.

Mayo Clinic Laboratories, Mayo Clinic
Classification: Likely benign. Last evaluated: 2025-07-30. Review status: criteria provided, single submitter. Criteria: ACMG Guidelines, 2015. Collection method: clinical testing. Allele origin: germline. Observed: 17 variant alleles.
Comment: BS1, BP4

Molecular Diagnostic Laboratory for Inherited Cardiovascular Disease, Montreal Heart Institute
Classification: Likely benign. Last evaluated: 2025-07-24. Review status: criteria provided, single submitter. Criteria: ACMG Guidelines, 2015. Collection method: clinical testing. Allele origin: germline. Affected: no.

ARUP Laboratories, Molecular Genetics and Genomics, ARUP Laboratories
Classification: Likely benign. Last evaluated: 2025-01-22. Review status: criteria provided, single submitter. Criteria: ARUP Molecular Germline Variant Investigation Process 2024. Collection method: clinical testing. Allele origin: germline.

Blueprint Genetics
Classification: Likely benign. Last evaluated: 2024-11-25. Review status: criteria provided, single submitter. Criteria: ACMG Guidelines, 2015. Collection method: clinical testing. Allele origin: germline.

Molecular Genetics, Royal Melbourne Hospital
Classification: Likely benign for TTN-related myopathy. Last evaluated: 2023-05-05. Review status: criteria provided, single submitter. Criteria: ACMG Guidelines, 2015. Collection method: clinical testing. Allele origin: germline. Affected: no.
Comment: South Asian population allele frequency is 0.7% (rs72648929, 239/30548 alleles, 2 homozygotes in gnomAD v2.1) with a null REVEL score. Based on the classification scheme RMH Modified ACMG/AMP Guidelines v1.6.1, this variant is classified as LIKELY BENIGN. Following criteria are met: BP4, BS1

Women's Health and Genetics/Laboratory Corporation of America, LabCorp
Classification: Benign. Last evaluated: 2020-12-04. Review status: criteria provided, single submitter. Criteria: LabCorp Variant Classification Summary - May 2015. Collection method: clinical testing. Allele origin: germline.
Comment: Variant summary: TTN c.11446G>C (p.Val3816Leu) results in a conservative amino acid change located in the I-band region of the encoded protein sequence. Three of four in-silico tools predict a benign effect of the variant on protein function. The variant allele was found at a frequency of 0.0034 in 248534 control chromosomes in the gnomAD database, including 5 homozygotes. The observed variant frequency is approximately 5 fold of the estimated maximal expected allele frequency for a pathogenic variant in TTN causing Cardiomyopathy phenotype (0.00063), strongly suggesting that the variant is benign. c.11446G>C has been reported in the literature in individuals affected with Sudden Arrhythmia Death Syndromes (Nunn_2016). This report does not provide unequivocal conclusions about association of the variant with Cardiomyopathy. Co-occurrences with a pathogenic variant has been reported (MYBPC3 c.3628-41_3628-17del25), providing supporting evidence for a benign role. To our knowledge, no experimental evidence demonstrating an impact on protein function has been reported. Ten clinical diagnostic laboratories have submitted clinical-significance assessments for this variant to ClinVar after 2014 without evidence for independent evaluation. Multiple laboratories reported the variant with conflicting assessments (benign/likely benign n=8, VUS n=2). Based on the evidence outlined above, the variant was classified as benign.

CHEO Genetics Diagnostic Laboratory, Children's Hospital of Eastern Ontario
Classification: Benign for Cardiomyopathy. Last evaluated: 2019-03-18. Review status: criteria provided, single submitter. Criteria: ACMG Guidelines, 2015. Collection method: clinical testing. Allele origin: germline.

Illumina Laboratory Services, Illumina
Classification: Likely benign for Early-onset myopathy with fatal cardiomyopathy. Last evaluated: 2018-01-12. Review status: criteria provided, single submitter. Criteria: ICSL Variant Classification Criteria 13 December 2019. Collection method: clinical testing. Allele origin: germline.
Comment: This variant was observed in the ICSL laboratory as part of a predisposition screen in an ostensibly healthy population. It had not been previously curated by ICSL or reported in the Human Gene Mutation Database (HGMD: prior to June 1st, 2018), and was therefore a candidate for classification through an automated scoring system. Utilizing variant allele frequency, disease prevalence and penetrance estimates, and inheritance mode, an automated score was calculated to assess if this variant is too frequent to cause the disease. Based on the score and internal cut-off values, a variant classified as likely benign is not then subjected to further curation. The score for this variant resulted in a classification of likely benign for this disease.

Illumina Laboratory Services, Illumina
Classification: Uncertain significance for Autosomal recessive limb-girdle muscular dystrophy type 2J. Last evaluated: 2018-01-12. Review status: criteria provided, single submitter. Criteria: ICSL Variant Classification Criteria 13 December 2019. Collection method: clinical testing. Allele origin: germline.

Illumina Laboratory Services, Illumina
Classification: Benign for Tibial muscular dystrophy. Last evaluated: 2018-01-12. Review status: criteria provided, single submitter. Criteria: ICSL Variant Classification Criteria 13 December 2019. Collection method: clinical testing. Allele origin: germline.
Comment: This variant was observed in the ICSL laboratory as part of a predisposition screen in an ostensibly healthy population. It had not been previously curated by ICSL or reported in the Human Gene Mutation Database (HGMD: prior to June 1st, 2018), and was therefore a candidate for classification through an automated scoring system. Utilizing variant allele frequency, disease prevalence and penetrance estimates, and inheritance mode, an automated score was calculated to assess if this variant is too frequent to cause the disease. Based on the score and internal cut-off values, a variant classified as benign is not then subjected to further curation. The score for this variant resulted in a classification of benign for this disease.

Illumina Laboratory Services, Illumina
Classification: Benign for Myopathy, myofibrillar, 9, with early respiratory failure. Last evaluated: 2018-01-12. Review status: criteria provided, single submitter. Criteria: ICSL Variant Classification Criteria 13 December 2019. Collection method: clinical testing. Allele origin: germline.
Comment: the same text as in the submission from Illumina Laboratory Services, Illumina above.

Illumina Laboratory Services, Illumina
Classification: Likely benign for Dilated cardiomyopathy 1G. Last evaluated: 2018-01-12. Review status: criteria provided, single submitter. Criteria: ICSL Variant Classification Criteria 13 December 2019. Collection method: clinical testing. Allele origin: germline.
Comment: the same text as in the submission from Illumina Laboratory Services, Illumina above.

Laboratory for Molecular Medicine, Mass General Brigham Personalized Medicine
Classification: Benign. Last evaluated: 2017-10-12. Review status: criteria provided, single submitter. Criteria: LMM Criteria. Collection method: clinical testing. Allele origin: germline. Observed: 21 variant alleles.
Comment: p.Val3816Leu in exon 48 of TTN: This variant is not expected to have clinical si gnificance because it has been identified in 0.9% (88/10126) of Ashkenazi chromo somes, including 6 homozygotes, by the Genome Aggregation Database (gnomAD; dbSNP rs72648929). ACMG/AMP Criteria applied: BA1 (Richards 2015).

NM_001267550.2(TTN):c.15178G>C (p.Val5060Leu)

Gene: TTN (titin; minus strand). Cytogenetic location: 2q31.2.
Variant type: single nucleotide variant.
Coding change: c.15178G>C on transcript NM_001267550.2 (MANE Select); coding-DNA position 15178, G replaced by C.
Protein change: p.Val5060Leu; replaces valine 5060 with leucine.
Molecular consequence: missense variant. On other transcripts: intron variant (3).
Genome position (GRCh38, 1-based): chr2:178,734,746, C>G on the plus strand (G>C on the coding strand, the complement: TTN is on the minus strand). VCF-style: chr2-178734746-C-G. GRCh37 (hg19) VCF-style: chr2-179599473-C-G.
Other names: p.V4743L:GTC>CTC; p.Val4743Leu; c.14227G>C, p.Val4743Leu (NM_001256850.1); c.11446G>C, p.Val3816Leu (NM_133378.4); c.13282+3336G>C (NM_003319.4); c.13858+3336G>C (NM_133437.4); c.13657+3336G>C (NM_133432.3); short protein forms V5060L, V3816L, V4743L.
Identifiers: ClinVar variation 46599 (VCV000046599.77), dbSNP rs72648929, ClinGen allele CA138719.